The following is an entry in ClinVar:

ClinVar aggregate classification (germline): Pathogenic (1 of 4 stars; one submission).

Conditions:
LAMA2-related muscular dystrophy (LAMA2-RD). Also called: Laminin alpha 2-related dystrophy. Identifiers: MedGen C5679788, MONDO:0100228.

Submission:

Labcorp Genetics (formerly Invitae), Labcorp
Classification: Pathogenic for LAMA2-related muscular dystrophy. Last evaluated: 2023-11-04. Review status: criteria provided, single submitter. Criteria: Invitae Variant Classification Sherloc (09022015). Collection method: clinical testing. Allele origin: germline.
Comment: This sequence change creates a premature translational stop signal (p.Leu578Cysfs*21) in the LAMA2 gene. It is expected to result in an absent or disrupted protein product. Loss-of-function variants in LAMA2 are known to be pathogenic (PMID: 18700894, 32904964). This variant is not present in population databases (gnomAD no frequency). This variant has not been reported in the literature in individuals affected with LAMA2-related conditions. For these reasons, this variant has been classified as Pathogenic.

Literature cited by the submitters: PubMed 18700894; PubMed 32904964.

NM_000426.4(LAMA2):c.1732del (p.Leu578fs)

Gene: LAMA2 (laminin subunit alpha 2; plus strand). Cytogenetic location: 6q22.33.
Variant type: Deletion.
Coding change: c.1732del on transcript NM_000426.4 (MANE Select); coding-DNA position 1732, one base deleted (C; older notation c.1732delC).
Protein change: p.Leu578fs; shifts the reading frame from leucine 578.
Molecular consequence: frameshift variant.
Genome position (GRCh38, 1-based): chr6:129,192,803, C deleted; the last of 3 consecutive C bases (chr6:129,192,801-129,192,803); deleting any one gives the same sequence. VCF-style (leftmost placement, unchanged base first): chr6-129192800-GC-G. GRCh37 (hg19) VCF-style: chr6-129513945-GC-G.
Other names: c.1732del, p.Leu578fs (NM_001079823.2); short protein forms L578fs.
Identifiers: ClinVar variation 2996380 (VCV002996380.3), dbSNP rs1051753046, ClinGen allele CA146880666.